The following is an entry in ClinVar:

NM_024795.4(TM4SF20):c.278T>C (p.Ile93Thr)

Gene: TM4SF20 (transmembrane 4 L six family member 20; minus strand). Cytogenetic location: 2q36.3.
Variant type: single nucleotide variant.
Coding change: c.278T>C on transcript NM_024795.4 (MANE Select); coding-DNA position 278, T replaced by C.
Protein change: p.Ile93Thr; replaces isoleucine 93 with threonine.
Molecular consequence: missense variant.
Genome position (GRCh38, 1-based): chr2:227,366,216, A>G on the plus strand (T>C on the coding strand, the complement: TM4SF20 is on the minus strand). VCF-style: chr2-227366216-A-G. GRCh37 (hg19) VCF-style: chr2-228230932-A-G.
Other names: short protein forms I93T.
Identifiers: ClinVar variation 2396942 (VCV002396942.5), dbSNP rs376558640, ClinGen allele CA2148232.
Genomic context (GRCh38, chr2:227,366,216, plus strand): 5'-GGACCTTTTAAGAGAGCCTGGATGGATATCAGCATGCAATACAGAGCACCAATGACTGTG[A>G]TCACACTGAAAAGTGATGAAAGAAACATCTGAAAAATAAAATAGAGCCATTTGCACATGT-3'
Protein context (NP_079071.2, residues 83-103): GMFLSSLFSV[Ile93Thr]TVIGALYCML

ClinVar aggregate classification (germline): Uncertain significance. Review status: criteria provided, multiple submitters, no conflicts (2 of 4 stars). 2 submissions from 2 submitters: Uncertain significance (2). Last evaluated 2024-04-05.

Allele frequency attached by ClinVar (database versions not stated): gnomAD 0.00007; ESP Exome Variant Server 0.00008; TOPMed 0.00009.
gnomAD v4.1: 71 of 1,611,450 alleles (0.0044%); highest among the groups gnomAD compares: Admixed American, 0.0085%; no homozygotes.

Submissions (2):

Labcorp Genetics (formerly Invitae), Labcorp
Classification: Uncertain significance. Last evaluated: 2024-04-05. Review status: criteria provided, single submitter. Criteria: Invitae Variant Classification Sherloc (09022015). Collection method: clinical testing. Allele origin: germline.
Comment: This sequence change replaces isoleucine, which is neutral and non-polar, with threonine, which is neutral and polar, at codon 93 of the TM4SF20 protein (p.Ile93Thr). This variant is present in population databases (rs376558640, gnomAD 0.004%). This variant has not been reported in the literature in individuals affected with TM4SF20-related conditions. ClinVar contains an entry for this variant (Variation ID: 2396942). An algorithm developed to predict the effect of missense changes on protein structure and function (PolyPhen-2) suggests that this variant is likely to be tolerated. In summary, the available evidence is currently insufficient to determine the role of this variant in disease. Therefore, it has been classified as a Variant of Uncertain Significance.

Ambry Genetics
Classification: Uncertain significance. Last evaluated: 2022-07-07. Review status: criteria provided, single submitter. Criteria: Ambry Variant Classification Scheme 2023. Collection method: clinical testing. Allele origin: germline.